The following is an entry in ClinVar:

ClinVar aggregate classification (germline): Uncertain significance (1 of 4 stars; one submission).

Conditions:
Immunodeficiency 28 (IMD28). Also called: IFNGR2 DEFICIENCY. Identifiers: Orphanet 319547, Orphanet 319574, MedGen C4013947, MONDO:0013953, OMIM 614889.

gnomAD v4.1: 19 of 1,613,776 alleles (0.0012%); highest among the groups gnomAD compares: South Asian, 0.02%; no homozygotes.

Submission:

Labcorp Genetics (formerly Invitae), Labcorp
Classification: Uncertain significance for Immunodeficiency 28. Last evaluated: 2021-08-08. Review status: criteria provided, single submitter. Criteria: Invitae Variant Classification Sherloc (09022015). Collection method: clinical testing. Allele origin: germline.
Comment: Algorithms developed to predict the effect of missense changes on protein structure and function are either unavailable or do not agree on the potential impact of this missense change (SIFT: "Tolerated"; PolyPhen-2: "Probably Damaging"; Align-GVGD: "Class C0"). This sequence change replaces isoleucine with asparagine at codon 146 of the IFNGR2 protein (p.Ile146Asn). The isoleucine residue is moderately conserved and there is a large physicochemical difference between isoleucine and asparagine. This variant is present in population databases (rs188848981, ExAC 0.006%). This variant has not been reported in the literature in individuals affected with IFNGR2-related conditions. In summary, the available evidence is currently insufficient to determine the role of this variant in disease. Therefore, it has been classified as a Variant of Uncertain Significance.

NM_005534.4(IFNGR2):c.437T>A (p.Ile146Asn)

Gene: IFNGR2 (interferon gamma receptor 2; plus strand). Cytogenetic location: 21q22.11.
Variant type: single nucleotide variant.
Coding change: c.437T>A on transcript NM_005534.4 (MANE Select); coding-DNA position 437, T replaced by A.
Protein change: p.Ile146Asn; replaces isoleucine 146 with asparagine.
Molecular consequence: missense variant.
Genome position (GRCh38, 1-based): chr21:33,426,908, T>A. VCF-style: chr21-33426908-T-A. GRCh37 (hg19) VCF-style: chr21-34799215-T-A.
Other names: c.494T>A, p.Ile165Asn (NM_001329128.2); short protein forms I165N, I146N.
Identifiers: ClinVar variation 1499375 (VCV001499375.6), dbSNP rs188848981, ClinGen allele CA10006943.